The following is an entry in ClinVar:

ClinVar aggregate classification (germline): Uncertain significance (1 of 4 stars; one submission).

Submission:

Labcorp Genetics (formerly Invitae), Labcorp
Classification: Uncertain significance. Last evaluated: 2023-06-15. Review status: criteria provided, single submitter. Criteria: Invitae Variant Classification Sherloc (09022015). Collection method: clinical testing. Allele origin: germline.
Comment: This variant has not been reported in the literature in individuals affected with ASRGL1-related conditions. This sequence change replaces alanine, which is neutral and non-polar, with aspartic acid, which is acidic and polar, at codon 105 of the ASRGL1 protein (p.Ala105Asp). This variant is not present in population databases (gnomAD no frequency). In summary, the available evidence is currently insufficient to determine the role of this variant in disease. Therefore, it has been classified as a Variant of Uncertain Significance. An algorithm developed to predict the effect of missense changes on protein structure and function (PolyPhen-2) suggests that this variant is likely to be disruptive.

NM_001083926.2(ASRGL1):c.314C>A (p.Ala105Asp)

Gene: ASRGL1 (asparaginase and isoaspartyl peptidase 1; plus strand). Cytogenetic location: 11q12.3.
Variant type: single nucleotide variant.
Coding change: c.314C>A on transcript NM_001083926.2 (MANE Select); coding-DNA position 314, C replaced by A.
Protein change: p.Ala105Asp; replaces alanine 105 with aspartic acid.
Molecular consequence: missense variant.
Genome position (GRCh38, 1-based): chr11:62,356,448, C>A. VCF-style: chr11-62356448-C-A. GRCh37 (hg19) VCF-style: chr11-62123920-C-A.
Other names: c.314C>A, p.Ala105Asp (NM_025080.4); short protein forms A105D.
Identifiers: ClinVar variation 2716864 (VCV002716864.3), dbSNP rs2495208653, ClinGen allele CA380865542.